The following is an entry in ClinVar:

ClinVar aggregate classification (germline): Likely pathogenic (1 of 4 stars; one submission).

Allele frequency attached by ClinVar (database versions not stated): gnomAD exomes below 0.00001; TOPMed below 0.00001; gnomAD 0.00001.
gnomAD v4.1: 3 of 1,602,748 alleles (0.00019%); highest among the groups gnomAD compares: Admixed American, 0.0017%; no homozygotes.

Submission:

Labcorp Genetics (formerly Invitae), Labcorp
Classification: Likely pathogenic. Last evaluated: 2023-06-16. Review status: criteria provided, single submitter. Criteria: Invitae Variant Classification Sherloc (09022015). Collection method: clinical testing. Allele origin: germline.
Comment: This variant has not been reported in the literature in individuals affected with LRP2-related conditions. In summary, the currently available evidence indicates that the variant is pathogenic, but additional data are needed to prove that conclusively. Therefore, this variant has been classified as Likely Pathogenic. Algorithms developed to predict the effect of sequence changes on RNA splicing suggest that this variant may disrupt the consensus splice site. This variant is not present in population databases (gnomAD no frequency). This sequence change affects a donor splice site in intron 76 of the LRP2 gene. It is expected to disrupt RNA splicing. Variants that disrupt the donor or acceptor splice site typically lead to a loss of protein function (PMID: 16199547), and loss-of-function variants in LRP2 are known to be pathogenic (PMID: 17632512, 25682901).

Literature cited by the submitters: PubMed 16199547; PubMed 17632512; PubMed 25682901.

NM_004525.3(LRP2):c.13620+2T>C

Gene: LRP2 (LDL receptor related protein 2; minus strand). Cytogenetic location: 2q31.1.
Variant type: single nucleotide variant.
Coding change: c.13620+2T>C on transcript NM_004525.3 (MANE Select); the canonical splice donor site of the intron after coding-DNA position 13620, T replaced by C.
Molecular consequence: splice donor variant.
Genome position (GRCh38, 1-based): chr2:169,137,390, A>G on the plus strand (T>C on the coding strand, the complement: LRP2 is on the minus strand). VCF-style: chr2-169137390-A-G. GRCh37 (hg19) VCF-style: chr2-169993900-A-G.
Identifiers: ClinVar variation 2973713 (VCV002973713.3), dbSNP rs1221413854, ClinGen allele CA349152529.
Genomic context (GRCh38, chr2:169,137,390, plus strand): 5'-ACTCAATAGATTAAGATCCAGCGACAGCAGTAACTGAAAGAAAAGACTGTATGGTTTCTC[A>G]CCTGGATTGGCTGAACCACTTTGACAGCACTGTCTCTGGCTGAGTACATTGGGTTTTCAA-3'